The following is an entry in ClinVar:

ClinVar aggregate classification (germline): Uncertain significance. Review status: criteria provided, multiple submitters, no conflicts (2 of 4 stars). 2 submissions from 2 submitters: Uncertain significance (2). Last evaluated 2025-11-26.

Conditions:
Inborn genetic diseases. Identifiers: MedGen C0950123, MeSH D030342.

Allele frequency attached by ClinVar (database versions not stated): gnomAD exomes below 0.00001; ExAC 0.00001.
gnomAD v4.1: 1 of 1,531,636 alleles (0.000065%); highest among the groups gnomAD compares: Admixed American, 0.0019%; no homozygotes.

Submissions (2):

Ambry Genetics
Classification: Uncertain significance for Inborn genetic diseases. Last evaluated: 2025-11-26. Review status: criteria provided, single submitter. Criteria: Ambry Variant Classification Scheme 2023. Collection method: clinical testing. Allele origin: germline.

Labcorp Genetics (formerly Invitae), Labcorp
Classification: Uncertain significance. Last evaluated: 2024-05-14. Review status: criteria provided, single submitter. Criteria: Invitae Variant Classification Sherloc (09022015). Collection method: clinical testing. Allele origin: germline.
Comment: This sequence change replaces tryptophan, which is neutral and slightly polar, with arginine, which is basic and polar, at codon 377 of the EIF2AK2 protein (p.Trp377Arg). This variant is present in population databases (rs765503875, gnomAD 0.004%). This variant has not been reported in the literature in individuals affected with EIF2AK2-related conditions. An algorithm developed to predict the effect of missense changes on protein structure and function (PolyPhen-2) suggests that this variant is likely to be disruptive. In summary, the available evidence is currently insufficient to determine the role of this variant in disease. Therefore, it has been classified as a Variant of Uncertain Significance.

NM_001135651.3(EIF2AK2):c.1129T>A (p.Trp377Arg)

Gene: EIF2AK2 (eukaryotic translation initiation factor 2 alpha kinase 2; minus strand). Cytogenetic location: 2p22.2.
Variant type: single nucleotide variant.
Coding change: c.1129T>A on transcript NM_001135651.3 (MANE Select); coding-DNA position 1129, T replaced by A.
Protein change: p.Trp377Arg; replaces tryptophan 377 with arginine.
Molecular consequence: missense variant.
Genome position (GRCh38, 1-based): chr2:37,120,078, A>T on the plus strand (T>A on the coding strand, the complement: EIF2AK2 is on the minus strand). VCF-style: chr2-37120078-A-T. GRCh37 (hg19) VCF-style: chr2-37347221-A-T.
Other names: c.1006T>A, p.Trp336Arg (NM_001135652.3); c.1129T>A, p.Trp377Arg (NM_002759.4); short protein forms W336R, W377R.
Identifiers: ClinVar variation 2791376 (VCV002791376.4), dbSNP rs765503875, ClinGen allele CA1615086.
Genomic context (GRCh38, chr2:37,120,078, plus strand): 5'-GTTCAAAGAGTTCCAAAGCCAAAACTTTGTCTAGTTTCTCGCCTCTTCTTTTTTCAATCC[A>T]TTGTTCCAAGGTCCCTTTATCACAGAATTCCATTTGGATGAAAAGGCACTTAGTCTTTGA-3'
Protein context (NP_001129123.1, residues 367-387): EFCDKGTLEQ[Trp377Arg]IEKRRGEKLD